The following is an entry in ClinVar:

ClinVar aggregate classification (germline): Uncertain significance (1 of 4 stars; one submission).

Submission:

Women's Health and Genetics/Laboratory Corporation of America, LabCorp
Classification: Uncertain significance. Last evaluated: 2025-11-26. Review status: criteria provided, single submitter. Criteria: LabCorp Variant Classification Summary - May 2015. Collection method: clinical testing. Allele origin: germline.
Comment: Variant summary: DDB1 c.3271G>C (p.Gly1091Arg) results in a non-conservative amino acid change located in the cleavage/polyadenylation specificity factor, A subunit, C-terminal domain (IPR004871) of the encoded protein sequence. Algorithms developed to predict the effect of missense changes on protein structure and function all suggest that this variant is likely to be disruptive. The variant was absent in 251494 control chromosomes. The available data on variant occurrences in the general population are insufficient to allow any conclusion about variant significance. To our knowledge, no occurrence of c.3271G>C in individuals affected with DDB1-related conditions and no experimental evidence demonstrating its impact on protein function have been reported. ClinVar contains an entry for this variant (Variation ID: 3336175). Based on the evidence outlined above, the variant was classified as uncertain significance.

NM_001923.5(DDB1):c.3271G>C (p.Gly1091Arg)

Genes: DDB1 (damage specific DNA binding protein 1; minus strand), LOC126861224 (MED14-independent group 3 enhancer GRCh37_chr11:61067594-61068793; plus strand). Cytogenetic location: 11q12.2.
Variant type: single nucleotide variant.
Coding change: c.3271G>C on transcript NM_001923.5 (MANE Select); coding-DNA position 3271, G replaced by C.
Protein change: p.Gly1091Arg; replaces glycine 1091 with arginine.
Molecular consequence: missense variant.
Genome position (GRCh38, 1-based): chr11:61,300,877, C>G on the plus strand (G>C on the coding strand, the complement: DDB1 is on the minus strand). VCF-style: chr11-61300877-C-G. GRCh37 (hg19) VCF-style: chr11-61068349-C-G.
Other names: short protein forms G1091R.
Identifiers: ClinVar variation 3336175 (VCV003336175.2).